The following is an entry in ClinVar:

ClinVar aggregate classification (germline): Uncertain significance (1 of 4 stars; one submission).

Submission:

Dasa
Classification: Uncertain significance. Last evaluated: 2025-03-03. Review status: criteria provided, single submitter. Criteria: DASA Assertion Criteria. Collection method: clinical testing. Allele origin: germline.
Comment: NM_001330260.2(SCN8A):c.5677A>C (p.Lys1893Gln) is a missense variant that results in the substitution of lysine with glutamine. This variant is absent from population databases. Computational prediction algorithms are consistent with a deleterious effect. The currently available literature and clinical evidence are not sufficient to establish a definitive association between this variant and the reported condition. Therefore, this variant is classified as a variant of uncertain significance.

NM_001330260.2(SCN8A):c.5677A>C (p.Lys1893Gln)

Gene: SCN8A (sodium voltage-gated channel alpha subunit 8; plus strand). Cytogenetic location: 12q13.13.
Variant type: single nucleotide variant.
Coding change: c.5677A>C on transcript NM_001330260.2 (MANE Select); coding-DNA position 5677, A replaced by C.
Protein change: p.Lys1893Gln; replaces lysine 1893 with glutamine.
Molecular consequence: missense variant.
Genome position (GRCh38, 1-based): chr12:51,807,163, A>C. VCF-style: chr12-51807163-A-C. GRCh37 (hg19) VCF-style: chr12-52200947-A-C.
Other names: c.5554A>C, p.Lys1852Gln (NM_001177984.3, NM_001369788.1); c.5677A>C, p.Lys1893Gln (NM_014191.4); short protein forms K1852Q, K1893Q.
Identifiers: ClinVar variation 4885695 (VCV004885695.2).
Genomic context (GRCh38, chr12:51,807,163, plus strand): 5'-TTCGTGGCATCCAATCCTTCCAAAGTGTCTTACGAGCCAATCACAACCACACTGCGTCGC[A>C]AGCAGGAGGAGGTATCTGCAGTGGTCCTGCAGCGTGCCTACCGGGGACATTTGGCAAGGC-3'
Protein context (NP_001317189.1, residues 1883-1903): YEPITTTLRR[Lys1893Gln]QEEVSAVVLQ